The following is an entry in ClinVar:

ClinVar aggregate classification (germline): Likely benign. Review status: criteria provided, single submitter (1 of 4 stars). 2 submissions from 2 submitters: Likely benign (1). 1 of the submissions does not count toward it. Last evaluated 2024-11-26.

Conditions:
ZNF141-related disorder. Also called: ZNF141-related condition.

Submissions (2):

Blueprint Genetics
Classification: Likely benign. Last evaluated: 2024-11-26. Review status: criteria provided, single submitter. Criteria: ACMG Guidelines, 2015. Collection method: clinical testing. Allele origin: germline.

PreventionGenetics, part of Exact Sciences
Classification: Likely benign for ZNF141-related condition. Last evaluated: 2019-10-31. Review status: no assertion criteria provided. Collection method: clinical testing. Allele origin: germline. Not counted in ClinVar's aggregate classification.
Comment: This variant is classified as likely benign based on ACMG/AMP sequence variant interpretation guidelines (Richards et al. 2015 PMID: 25741868, with internal and published modifications).

NM_003441.4(ZNF141):c.1065T>C (p.Asn355=)

Gene: ZNF141 (zinc finger protein 141; plus strand). Cytogenetic location: 4p16.3.
Variant type: single nucleotide variant.
Coding change: c.1065T>C on transcript NM_003441.4 (MANE Select); coding-DNA position 1065, T replaced by C.
Protein change: p.Asn355=; no amino-acid change (asparagine 355 retained).
Molecular consequence: synonymous variant. On other transcripts: intron variant (1).
Genome position (GRCh38, 1-based): chr4:373,502, T>C. VCF-style: chr4-373502-T-C. GRCh37 (hg19) VCF-style: chr4-367291-T-C.
Other names: c.837T>C, p.Asn279= (NM_001348277.2); c.570+495T>C (NM_001348278.2).
Identifiers: ClinVar variation 3055810 (VCV003055810.3), dbSNP rs1553854028, ClinGen allele CA438051361.